The following is an entry in ClinVar:

ClinVar aggregate classification (germline): Pathogenic/Likely pathogenic. Review status: criteria provided, multiple submitters, no conflicts (2 of 4 stars). 13 submissions from 13 submitters: Pathogenic (7); Likely pathogenic (4). 2 of the submissions do not count toward it. Last evaluated 2026-08-06.

Conditions:
Meckel syndrome, type 3 (MKS3). Also called: MECKEL-GRUBER SYNDROME, TYPE 3. Identifiers: Orphanet 564, MedGen C1846357, MONDO:0011821, OMIM 607361.
RHYNS syndrome. Also called: RETINITIS PIGMENTOSA SYNDROME; RETINITIS PIGMENTOSA, HYPOPITUITARISM, NEPHRONOPHTHISIS, AND MILD SKELETAL DYSPLASIA. Identifiers: Orphanet 140976, MedGen C1865794, MONDO:0011202, OMIM 602152.
Bardet-Biedl syndrome 14 (BBS14). Identifiers: Orphanet 110, MedGen C2673874, MONDO:0014442, OMIM 615991.
COACH syndrome 1. Identifiers: Orphanet 1454, MedGen C5435651, MONDO:0800103, OMIM 216360, MONDO:0008996.
Joubert syndrome 6 (JBTS6). Identifiers: Orphanet 475, MedGen C1853153, MONDO:0012539, OMIM 610688.
Nephronophthisis 11 (NPHP11). Identifiers: Orphanet 84081, MedGen C3150796, MONDO:0013302, OMIM 613550.
TMEM67-related disorder. Also called: TMEM67-related condition; TMEM67-related disorders. Identifiers: MedGen CN239423.
Meckel-Gruber syndrome. Also called: DYSENCEPHALIA SPLANCHNOCYSTICA; GRUBER SYNDROME; Dysencephalia splachnocystica. Identifiers: Orphanet 564, MedGen C0265215, MONDO:0018921.
Joubert syndrome. Also called: JOUBERT-BOLTSHAUSER SYNDROME; Familial aplasia of the vermis. Identifiers: Orphanet 475, MedGen C5979921, MONDO:0018772.

Allele frequency attached by ClinVar (database versions not stated): gnomAD exomes 0.00002 and 0.00004; gnomAD 0.00003 and 0.00004; TOPMed 0.00006; ExAC 0.00003.

Submissions (13):

OLLIN Analises Genomicas, OLLIN
Classification: Likely pathogenic for Bardet-Biedl syndrome 14. Last evaluated: 2026-08-06. Review status: criteria provided, single submitter. Criteria: ACMG Guidelines 2015 PMID 25741868. Collection method: clinical testing. Allele origin: germline. Inheritance: Autosomal recessive inheritance.
Comment: This missense variant, located in exon 10 (of 28), has been reported in ClinVar (accession VCV000056762.23), in gnomAD with an allele frequency of 0.0041%, and in the scientific literature, in compound heterozygosity, in individuals with TMEM67 related disorders (PMID: 26035863, 40436881, 20232449). Functional studies suggest that this variant may affect protein function, and in silico analysis predicts a deleterious effect (PMID: 26035863). According to the currently available evidence, this variant has been classified as likely pathogenic (PS3_P, PM2_P, PM3_S, PP3_M).

PreventionGenetics, part of Exact Sciences
Classification: Pathogenic for TMEM67-related condition. Last evaluated: 2026-01-27. Review status: criteria provided, single submitter. Criteria: ACMG Guidelines, 2015. Collection method: clinical testing. Allele origin: germline.
Comment: The TMEM67 c.1046T>C variant is predicted to result in the amino acid substitution p.Leu349Ser. This variant has been reported in many individuals with autosomal recessive TMEM67-related disorders (Khaddour et al. 2007. PubMed ID: 17397051; Iannicelli et al. 2010. PubMed ID: 20232449; Table S8, Chaki et al. 2011. PubMed ID: 21866095; Table S5, Bachmann-Gagescu et al. 2015. PubMed ID: 26092869; Table S2, König et al. 2022. PubMed ID: 36090483). Functional assays using cultured mammalian cells suggested that this variant renders the TMEM67 protein unresponsive to Wnt-signaling (Abdelhamed et al. 2015 PubMed ID: 26035863). This variant is reported in 0.0047% of alleles in individuals of European (Non-Finnish) descent in gnomAD. This variant is interpreted as pathogenic.

Variantyx, Inc.
Classification: Likely pathogenic for Meckel syndrome, type 3. Last evaluated: 2025-08-03. Review status: criteria provided, single submitter. Criteria: Variantyx Assertion Criteria 2022. Collection method: clinical testing. Allele origin: germline. Inheritance: Autosomal recessive inheritance. Affected: no.
Comment: This is a nonsynonymous variant in the TMEM67 gene (OMIM: 609884). Pathogenic variants in this gene have been associated with autosomal recessive TMEM67-related disorders. This variant has been identified in the homozygous or compound heterozygous state in at least 7 individuals reported in the published literature (PMID: 17397051, 19574260, 20232449, 21068128, 26729329) (PM3_Strong). Multiple computational algorithms predict a deleterious effect for this variant (REVEL score: 0.814) (PP3). This variant has a 0.0053% maximum allele frequency in non-founder control populations (PM2). Based on the current evidence, this variant is classified as likely pathogenic for autosomal recessive TMEM67-related disorders.

Blueprint Genetics
Classification: Pathogenic for TMEM67-related disorders. Last evaluated: 2024-08-13. Review status: criteria provided, single submitter. Criteria: ACMG Guidelines, 2015. Collection method: clinical testing. Allele origin: germline. Affected: yes. Observed: 5 variant alleles.

Labcorp Genetics (formerly Invitae), Labcorp
Classification: Pathogenic for Joubert syndrome; Meckel-Gruber syndrome. Last evaluated: 2024-03-07. Review status: criteria provided, single submitter. Criteria: Invitae Variant Classification Sherloc (09022015). Collection method: clinical testing. Allele origin: germline.
Comment: This sequence change replaces leucine, which is neutral and non-polar, with serine, which is neutral and polar, at codon 349 of the TMEM67 protein (p.Leu349Ser). This variant is present in population databases (rs386834180, gnomAD 0.005%). This missense change has been observed in individual(s) with TMEM67-related ciliopathies (PMID: 17397051, 19574260, 20232449, 21068128, 26729329). In at least one individual the data is consistent with being in trans (on the opposite chromosome) from a pathogenic variant. ClinVar contains an entry for this variant (Variation ID: 56762). Advanced modeling of protein sequence and biophysical properties (such as structural, functional, and spatial information, amino acid conservation, physicochemical variation, residue mobility, and thermodynamic stability) performed at Invitae indicates that this missense variant is expected to disrupt TMEM67 protein function with a positive predictive value of 95%. Experimental studies have shown that this missense change affects TMEM67 function (PMID: 26035863). For these reasons, this variant has been classified as Pathogenic.

GeneDx
Classification: Pathogenic. Last evaluated: 2022-04-10. Review status: criteria provided, single submitter. Criteria: GeneDx Variant Classification Process June 2021. Collection method: clinical testing. Allele origin: germline. Affected: yes.
Comment: Published functional studies demonstrate that the L349S variant impacts protein function (Abdelhamed et al., 2015; Not observed at significant frequency in large population cohorts (gnomAD); In silico analysis supports that this missense variant has a deleterious effect on protein structure/function; This variant is associated with the following publications: (PMID: 21068128, 19574260, 28844315, 17397051, 21866095, 19466712, 20232449, 23559409, 26092869, 26729329, 31589614, 34731008, 32160518, 26035863)

Fulgent Genetics
Classification: Likely pathogenic for COACH syndrome 1; RHYNS syndrome; Meckel syndrome, type 3; Joubert syndrome 6; Nephronophthisis 11; Bardet-Biedl syndrome 14. Last evaluated: 2021-08-23. Review status: criteria provided, single submitter. Criteria: ACMG Guidelines, 2015. Collection method: clinical testing. Allele origin: unknown.

Institute of Medical Genetics and Applied Genomics, University Hospital Tübingen
Classification: Pathogenic. Last evaluated: 2020-10-23. Review status: criteria provided, single submitter. Criteria: ACMG Guidelines, 2015. Collection method: clinical testing. Allele origin: germline. Inheritance: Unknown mechanism. Affected: yes.

Illumina Laboratory Services, Illumina
Classification: Pathogenic for TMEM67-Related Disorders. Last evaluated: 2017-10-12. Review status: criteria provided, single submitter. Criteria: ICSL Variant Classification Criteria 09 May 2019. Collection method: clinical testing. Allele origin: germline.
Comment: Across a selection of the available literature, the TMEM67 c.1046T>C (p.Leu349Ser) missense variant has been reported in at least seven individuals from six families with Joubert syndrome or Meckel syndrome (Khaddour et al. 2007; Iannicelli et al. 2010; Chaki et al. 2011; Bachmann-Gagescu et al. 2015). Four of the cases were terminated fetuses that met the diagnostic criteria for Meckel syndrome. In three of these cases, including one sibling pair, the variant was observed in a compound heterozygous state with a truncating variant; In the remaining three cases, it was observed in a compound heterozygous state with a second missense variant in individuals with Joubert syndrome. Parental inheritance of the variant was demonstrated in two of the compound heterozygous cases. The p.Leu349Ser variant was absent from at least 410 control chromosomes and is reported at a frequency of 0.000060 in the European (non-Finnish) population of the Exome Aggregation Consortium. Functional studies conducted in embryonic fibroblasts from Tmem67 knockout mice showed that unlike the wildtype protein, p.Leu349Ser TMEM67 was unable to rescue the impaired canonical Wnt/Î²-catenin signalling or deficient response to Wnt5a observed in the Tmem67-deficient cells (Abdelhamed et al. 2015). Based on the collective evidence, the p.Leu349Ser variant is classified as pathogenic for TMEM67-related disorders. This variant was observed by ICSL as part of a predisposition screen in an ostensibly healthy population.

UW Hindbrain Malformation Research Program, University of Washington
Classification: Pathogenic for Joubert syndrome 6. Last evaluated: 2015-02-23. Review status: criteria provided, single submitter. Criteria: Bachmann-Gagescu et al. (J Med Genet. 2015). Collection method: research. Allele origin: unknown. Affected: yes.

Genetic Services Laboratory, University of Chicago
Classification: Likely pathogenic for Meckel Gruber syndrome. Last evaluated: 2013-09-13. Review status: criteria provided, single submitter. Criteria: ACMG Guidelines, 2007. Collection method: clinical testing. Allele origin: germline. Inheritance: Autosomal recessive inheritance. Affected: yes. Observed: 1 variant allele.

Sydney Genome Diagnostics, Children's Hospital Westmead
Classification: Pathogenic for Meckel syndrome, type 3. Last evaluated: 2018-09-05. Review status: no assertion criteria provided. Collection method: clinical testing. Allele origin: unknown. Affected: yes. Observed: 1 variant allele, 1 heterozygote. Not counted in ClinVar's aggregate classification.
Comment: This variant (dbSNP: rs386834180) has been previously reported in fetuses with Meckel syndrome in the literature (Iannicelli et al 2010 Hum Mutat 31:E1319-1331; Khaddour et al 2007 Hum Mutat 28:523-524). Functional studies have shown that this variant is pathogenic (Abdelhamed et al 2015 Disease models & Mechanisms 8:527-541)

Juha Muilu Group; Institute for Molecular Medicine Finland (FIMM)
Classification: Likely pathogenic for Meckel syndrome type 3. Review status: no assertion criteria provided. Collection method: not provided. Allele origin: unknown. Not counted in ClinVar's aggregate classification.
Comment: FinDis database variant: This variant was not found or characterized by our laboratory, data were collected from public sources: see reference
ClinVar note: Converted during submission from probable-pathogenic to Likely pathogenic.

Literature cited by the submitters: PubMed 26035863 (cited by 3 submitters); PubMed 40436881 (cited by OLLIN Analises Genomicas, OLLIN); PubMed 20232449 (cited by 4 submitters); PubMed 17397051 (cited by 3 submitters); PubMed 19574260 (cited by Variantyx, Inc. and Labcorp Genetics (formerly Invitae), Labcorp); PubMed 21068128 (cited by Variantyx, Inc. and Labcorp Genetics (formerly Invitae), Labcorp); PubMed 26729329 (cited by Variantyx, Inc. and Labcorp Genetics (formerly Invitae), Labcorp); PubMed 21866095 (cited by Illumina Laboratory Services, Illumina); PubMed 26092869 (cited by Illumina Laboratory Services, Illumina).

NM_153704.6(TMEM67):c.1046T>C (p.Leu349Ser)

Gene: TMEM67 (transmembrane protein 67; plus strand). Cytogenetic location: 8q22.1.
Variant type: single nucleotide variant.
Coding change: c.1046T>C on transcript NM_153704.6 (MANE Select); coding-DNA position 1046, T replaced by C.
Protein change: p.Leu349Ser; replaces leucine 349 with serine.
Molecular consequence: missense variant. On other transcripts: non-coding transcript variant (1).
Genome position (GRCh38, 1-based): chr8:93,781,725, T>C. VCF-style: chr8-93781725-T-C. GRCh37 (hg19) VCF-style: chr8-94793953-T-C.
Other names: c.803T>C, p.Leu268Ser (NM_001142301.1); short protein forms L268S, L349S.
Identifiers: ClinVar variation 56762 (VCV000056762.25), dbSNP rs386834180, ClinGen allele CA144430.
Genomic context (GRCh38, chr8:93,781,725, plus strand): 5'-AACTGAAGTTTGTTGCTGCTTCCTATGATATAAGAGGAAATTTTCTCAAGTGGCAAACTT[T>C]AGAAGGAGGTGTTTTACAGGTAAGCATGATTCTAGTTAAAGAATTAATAACATGCATTAT-3'
Protein context (NP_714915.3, residues 339-359): IRGNFLKWQT[Leu349Ser]EGGVLQLCPD